The following is an entry in ClinVar:

NM_005751.5(AKAP9):c.8491A>G (p.Met2831Val)

Gene: AKAP9 (A-kinase anchoring protein 9; plus strand). Cytogenetic location: 7q21.2.
Variant type: single nucleotide variant.
Coding change: c.8491A>G on transcript NM_005751.5 (MANE Select); coding-DNA position 8491, A replaced by G.
Protein change: p.Met2831Val; replaces methionine 2831 with valine.
Molecular consequence: missense variant.
Genome position (GRCh38, 1-based): chr7:92,083,500, A>G. VCF-style: chr7-92083500-A-G. GRCh37 (hg19) VCF-style: chr7-91712814-A-G.
Other names: c.3136A>G, p.Met1046Val (NM_001379277.1); c.8467A>G, p.Met2823Val (NM_147185.3); short protein forms M1046V, M2823V, M2831V.
Identifiers: ClinVar variation 2004245 (VCV002004245.4), dbSNP rs1471873171, ClinGen allele CA368139299.

ClinVar aggregate classification (germline): Uncertain significance (1 of 4 stars; one submission).

Conditions:
Long QT syndrome (LQTS). Identifiers: MedGen C0023976, MeSH D008133, MONDO:0002442. Disease mechanism: loss of function. Inheritance: Various modes of inheritance.

gnomAD v4.1: 1 of 1,611,644 alleles (0.000062%); no homozygotes.

Submission:

Labcorp Genetics (formerly Invitae), Labcorp
Classification: Uncertain significance for Long QT syndrome. Last evaluated: 2022-06-10. Review status: criteria provided, single submitter. Criteria: Invitae Variant Classification Sherloc (09022015). Collection method: clinical testing. Allele origin: germline.
Comment: In summary, the available evidence is currently insufficient to determine the role of this variant in disease. Therefore, it has been classified as a Variant of Uncertain Significance. Algorithms developed to predict the effect of missense changes on protein structure and function are either unavailable or do not agree on the potential impact of this missense change (SIFT: "Deleterious"; PolyPhen-2: "Benign"; Align-GVGD: "Class C0"). This variant has not been reported in the literature in individuals affected with AKAP9-related conditions. This variant is present in population databases (no rsID available, gnomAD 0.03%). This sequence change replaces methionine, which is neutral and non-polar, with valine, which is neutral and non-polar, at codon 2831 of the AKAP9 protein (p.Met2831Val).